The following is an entry in ClinVar:

ClinVar aggregate classification (germline): Uncertain significance (1 of 4 stars; one submission).

Conditions:
ADCY3-related disorder. Also called: ADCY3-related condition.

gnomAD v4.1: 2 of 1,613,752 alleles (0.00012%); highest among the groups gnomAD compares: Non-Finnish European, 0.00017%; no homozygotes.

Submission:

PreventionGenetics, part of Exact Sciences
Classification: Uncertain significance for ADCY3-related condition. Last evaluated: 2026-08-27. Review status: criteria provided, single submitter. Criteria: ACMG Guidelines, 2015. Collection method: clinical testing. Allele origin: germline.
Comment: The ADCY3 c.1991T>G variant is predicted to result in the amino acid substitution p.Phe664Cys. To our knowledge, this variant has not been reported in the literature or in a large population database, indicating this variant is rare. At this time, the clinical significance of this variant is uncertain due to the absence of conclusive functional and genetic evidence.

NM_004036.5(ADCY3):c.1991T>G (p.Phe664Cys)

Gene: ADCY3 (adenylate cyclase 3; minus strand). Cytogenetic location: 2p23.3.
Variant type: single nucleotide variant.
Coding change: c.1991T>G on transcript NM_004036.5 (MANE Select); coding-DNA position 1991, T replaced by G.
Protein change: p.Phe664Cys; replaces phenylalanine 664 with cysteine.
Molecular consequence: missense variant.
Genome position (GRCh38, 1-based): chr2:24,831,726, A>C on the plus strand (T>G on the coding strand, the complement: ADCY3 is on the minus strand). VCF-style: chr2-24831726-A-C. GRCh37 (hg19) VCF-style: chr2-25054595-A-C.
Other names: c.1991T>G, p.Phe664Cys (NM_001377130.1, NM_001377132.1, NM_001320613.2 and 1 more transcripts); c.1268T>G, p.Phe423Cys (NM_001377131.1); c.2057T>G, p.Phe686Cys (NM_001377128.1); short protein forms F423C, F664C, F686C.
Identifiers: ClinVar variation 3357620 (VCV003357620.2).
Genomic context (GRCh38, chr2:24,831,726, plus strand): 5'-GGAAAGATGGCAGCCAGGGAGCAGATGGTCAGGATGAGGAGCAGAATCTCCCCCACCATG[A>C]AGGTCACATAGTTTGTCATTAGCCTGTGACAGAGAGAAGACAATTGGGAGAGGCCAGAGG-3'
Protein context (NP_004027.2, residues 654-674): DPWLMTNYVT[Phe664Cys]MVGEILLLIL